The following is an entry in ClinVar:

ClinVar aggregate classification (germline): Uncertain significance (1 of 4 stars; one submission).

Conditions:
Cardiovascular phenotype. Identifiers: MedGen CN230736.

Submission:

Ambry Genetics
Classification: Uncertain significance for Cardiovascular phenotype. Last evaluated: 2025-08-24. Review status: criteria provided, single submitter. Criteria: Ambry Variant Classification Scheme 2023. Collection method: clinical testing. Allele origin: germline.
Comment: The p.L181M variant (also known as c.541C>A), located in coding exon 5 of the SPRED1 gene, results from a C to A substitution at nucleotide position 541. The leucine at codon 181 is replaced by methionine, an amino acid with highly similar properties. This amino acid position is conserved. In addition, this alteration is predicted to be tolerated by in silico analysis. Based on the available evidence, the clinical significance of this variant remains unclear.

NM_152594.3(SPRED1):c.541C>A (p.Leu181Met)

Gene: SPRED1 (sprouty related EVH1 domain containing 1; plus strand). Cytogenetic location: 15q14.
Variant type: single nucleotide variant.
Coding change: c.541C>A on transcript NM_152594.3 (MANE Select); coding-DNA position 541, C replaced by A.
Protein change: p.Leu181Met; replaces leucine 181 with methionine.
Molecular consequence: missense variant.
Genome position (GRCh38, 1-based): chr15:38,339,854, C>A. VCF-style: chr15-38339854-C-A. GRCh37 (hg19) VCF-style: chr15-38632055-C-A.
Other names: short protein forms L181M.
Identifiers: ClinVar variation 4174055 (VCV004174055.1).